The following is an entry in ClinVar:

ClinVar aggregate classification (germline): Likely pathogenic (1 of 4 stars; one submission).

gnomAD v4.1: 1 of 1,613,090 alleles (0.000062%); highest among the groups gnomAD compares: Non-Finnish European, 0.000085%; no homozygotes.

Submission:

GeneDx
Classification: Likely pathogenic. Last evaluated: 2017-07-17. Review status: criteria provided, single submitter. Criteria: GeneDx Variant Classification (06012015). Collection method: clinical testing. Allele origin: germline. Affected: yes.
Comment: The E428X variant is not observed in large population cohorts (Lek et al., 2016; 1000 Genomes Consortium et al., 2015; Exome Variant Server). This variant is predicted to cause loss of normal protein function either through protein truncation or nonsense-mediated mRNA decay. Although E428X has not been previously reported to our knowledge, other nonsense variants in the SH3TC2 gene have been reported in the Human Gene Mutation Database in association with CMT4C (Stenson et al., 2014).

NM_024577.4(SH3TC2):c.1282G>T (p.Glu428Ter)

Gene: SH3TC2 (SH3 domain and tetratricopeptide repeats 2; minus strand). Cytogenetic location: 5q32.
Variant type: single nucleotide variant.
Coding change: c.1282G>T on transcript NM_024577.4 (MANE Select); coding-DNA position 1282, G replaced by T.
Protein change: p.Glu428Ter; replaces glutamic acid 428 with a stop codon.
Molecular consequence: nonsense.
Genome position (GRCh38, 1-based): chr5:149,028,450, C>A on the plus strand (G>T on the coding strand, the complement: SH3TC2 is on the minus strand). VCF-style: chr5-149028450-C-A. GRCh37 (hg19) VCF-style: chr5-148408013-C-A.
Other names: short protein forms E428*.
Identifiers: ClinVar variation 450515 (VCV000450515.2), dbSNP rs1554121777, ClinGen allele CA361669311.